The following is an entry in ClinVar:

ClinVar aggregate classification (germline): Uncertain significance (1 of 4 stars; one submission).

Conditions:
Hereditary spastic paraplegia 11. Also called: SPASTIC PARAPLEGIA, AUTOSOMAL RECESSIVE, COMPLICATED, WITH THIN CORPUS CALLOSUM; SPASTIC PARAPLEGIA, AUTOSOMAL RECESSIVE, WITH MENTAL IMPAIRMENT AND THIN CORPUS CALLOSUM; Spastic paraplegia, mental retardation and thin corpus callosum; Nakamura Osame syndrome; Autosomal recessive hereditary spastic paraplegia, mental impairment, and thin corpus callosum; Spastic Paraplegia 11. Identifiers: Orphanet 2822, MedGen C1858479, MONDO:0011445, OMIM 604360.

Submission:

Labcorp Genetics (formerly Invitae), Labcorp
Classification: Uncertain significance for Spastic paraplegia 11, autosomal recessive. Last evaluated: 2019-07-02. Review status: criteria provided, single submitter. Criteria: Invitae Variant Classification Sherloc (09022015). Collection method: clinical testing. Allele origin: germline.
Comment: This sequence change replaces methionine with isoleucine at codon 1560 of the SPG11 protein (p.Met1560Ile). The methionine residue is moderately conserved and there is a small physicochemical difference between methionine and isoleucine. This variant is not present in population databases (ExAC no frequency). This variant has not been reported in the literature in individuals with SPG11-related conditions. Algorithms developed to predict the effect of missense changes on protein structure and function output the following: SIFT: "Tolerated"; PolyPhen-2: "Benign"; Align-GVGD: "Class C0". The isoleucine amino acid residue is found in multiple mammalian species, suggesting that this missense change does not adversely affect protein function. These predictions have not been confirmed by published functional studies and their clinical significance is uncertain. In summary, the available evidence is currently insufficient to determine the role of this variant in disease. Therefore, it has been classified as a Variant of Uncertain Significance.

NM_025137.4(SPG11):c.4680G>A (p.Met1560Ile)

Gene: SPG11 (SPG11 vesicle trafficking associated, spatacsin; minus strand). Cytogenetic location: 15q21.1.
Variant type: single nucleotide variant.
Coding change: c.4680G>A on transcript NM_025137.4 (MANE Select); coding-DNA position 4680, G replaced by A.
Protein change: p.Met1560Ile; replaces methionine 1560 with isoleucine.
Molecular consequence: missense variant.
Genome position (GRCh38, 1-based): chr15:44,592,394, C>T on the plus strand (G>A on the coding strand, the complement: SPG11 is on the minus strand). VCF-style: chr15-44592394-C-T. GRCh37 (hg19) VCF-style: chr15-44884592-C-T.
Other names: c.4680G>A, p.Met1560Ile (NM_001160227.2); short protein forms M1560I.
Identifiers: ClinVar variation 935717 (VCV000935717.1), dbSNP rs1281792255, ClinGen allele CA392225290.
Genomic context (GRCh38, chr15:44,592,394, plus strand): 5'-TTCAAGGCTCTTCTGAAACTCCAGAAGTTTAGCTTCAGCTTCTTTATAATTCCTGAAGAA[C>T]ATACACAGTTCATACATCTCCATCACCAGTAGTAACGGGGAATCCTTTGACAAAGAGTTT-3'
Protein context (NP_079413.3, residues 1550-1570): LLVMEMYELC[Met1560Ile]FFRNYKEAEA